The following is an entry in ClinVar:

ClinVar aggregate classification (germline): Uncertain significance (1 of 4 stars; one submission).

gnomAD v4.1: 1 of 1,561,110 alleles (0.000064%); highest among the groups gnomAD compares: Middle Eastern, 0.018%; no homozygotes.

Submission:

CeGaT Center for Human Genetics Tuebingen
Classification: Uncertain significance. Last evaluated: 2026-03-01. Review status: criteria provided, single submitter. Criteria: CeGaT Center For Human Genetics Tuebingen Variant Classification Criteria Version 2. Collection method: clinical testing. Allele origin: germline. Affected: yes. Observed: 1 variant allele.
Comment: COL9A3: PM2

NM_001853.4(COL9A3):c.688C>A (p.Pro230Thr)

Gene: COL9A3 (collagen type IX alpha 3 chain; plus strand). Cytogenetic location: 20q13.33.
Variant type: single nucleotide variant.
Coding change: c.688C>A on transcript NM_001853.4 (MANE Select); coding-DNA position 688, C replaced by A.
Protein change: p.Pro230Thr; replaces proline 230 with threonine.
Molecular consequence: missense variant.
Genome position (GRCh38, 1-based): chr20:62,826,207, C>A. VCF-style: chr20-62826207-C-A. GRCh37 (hg19) VCF-style: chr20-61457559-C-A.
Other names: short protein forms P230T.
Identifiers: ClinVar variation 4823497 (VCV004823497.4).